The following is an entry in ClinVar:

NM_030665.4(RAI1):c.3906C>T (p.Leu1302=)

Gene: RAI1 (retinoic acid induced 1; plus strand). Cytogenetic location: 17p11.2.
Variant type: single nucleotide variant.
Coding change: c.3906C>T on transcript NM_030665.4 (MANE Select); coding-DNA position 3906, C replaced by T.
Protein change: p.Leu1302=; no amino-acid change (leucine 1302 retained).
Molecular consequence: synonymous variant.
Genome position (GRCh38, 1-based): chr17:17,796,854, C>T. VCF-style: chr17-17796854-C-T. GRCh37 (hg19) VCF-style: chr17-17700168-C-T.
Other names: c.3906C>T (NM_030665.3).
Identifiers: ClinVar variation 2070460 (VCV002070460.5), dbSNP rs373587264, ClinGen allele CA8418861.

ClinVar aggregate classification (germline): Likely benign. Review status: criteria provided, single submitter (1 of 4 stars). 2 submissions from 2 submitters: Likely benign (1). 1 of the submissions does not count toward it. Last evaluated 2025-10-02.

Conditions:
RAI1-related disorder. Also called: RAI1-related condition.

Allele frequency attached by ClinVar (database versions not stated): gnomAD 0.00003; TOPMed 0.00003; ESP Exome Variant Server 0.00008.
gnomAD v4.1: 40 of 1,612,748 alleles (0.0025%); highest among the groups gnomAD compares: Non-Finnish European, 0.0032%; no homozygotes.

Submissions (2):

Labcorp Genetics (formerly Invitae), Labcorp
Classification: Likely benign. Last evaluated: 2025-10-02. Review status: criteria provided, single submitter. Criteria: Invitae Variant Classification Sherloc (09022015). Collection method: clinical testing. Allele origin: germline.

PreventionGenetics, part of Exact Sciences
Classification: Likely benign for RAI1-related condition. Last evaluated: 2019-08-06. Review status: no assertion criteria provided. Collection method: clinical testing. Allele origin: germline. Not counted in ClinVar's aggregate classification.
Comment: This variant is classified as likely benign based on ACMG/AMP sequence variant interpretation guidelines (Richards et al. 2015 PMID: 25741868, with internal and published modifications).